The following is an entry in ClinVar:

ClinVar aggregate classification (germline): Uncertain significance (1 of 4 stars; one submission).

Submission:

Labcorp Genetics (formerly Invitae), Labcorp
Classification: Uncertain significance. Last evaluated: 2022-08-09. Review status: criteria provided, single submitter. Criteria: Invitae Variant Classification Sherloc (09022015). Collection method: clinical testing. Allele origin: germline.
Comment: This variant has not been reported in the literature in individuals affected with PYROXD1-related conditions. This variant is not present in population databases (gnomAD no frequency). This sequence change replaces asparagine, which is neutral and polar, with aspartic acid, which is acidic and polar, at codon 330 of the PYROXD1 protein (p.Asn330Asp). ClinVar contains an entry for this variant (Variation ID: 1521924). In summary, the available evidence is currently insufficient to determine the role of this variant in disease. Therefore, it has been classified as a Variant of Uncertain Significance. Algorithms developed to predict the effect of sequence changes on RNA splicing suggest that this variant may disrupt the consensus splice site. Algorithms developed to predict the effect of missense changes on protein structure and function (SIFT, PolyPhen-2, Align-GVGD) all suggest that this variant is likely to be tolerated.

NM_024854.5(PYROXD1):c.988A>G (p.Asn330Asp)

Gene: PYROXD1 (pyridine nucleotide-disulphide oxidoreductase domain 1; plus strand). Cytogenetic location: 12p12.1.
Variant type: single nucleotide variant.
Coding change: c.988A>G on transcript NM_024854.5 (MANE Select); coding-DNA position 988, A replaced by G.
Protein change: p.Asn330Asp; replaces asparagine 330 with aspartic acid.
Molecular consequence: missense variant.
Genome position (GRCh38, 1-based): chr12:21,462,115, A>G. VCF-style: chr12-21462115-A-G. GRCh37 (hg19) VCF-style: chr12-21615049-A-G.
Other names: c.775A>G, p.Asn259Asp (NM_001350912.2); c.211A>G, p.Asn71Asp (NM_001350913.2); short protein forms N330D, N71D, N259D.
Identifiers: ClinVar variation 1521924 (VCV001521924.6), dbSNP rs2137281990, ClinGen allele CA384110318.